The following is an entry in ClinVar:

NM_181458.4(PAX3):c.586+437C>T

Gene: PAX3 (paired box 3; minus strand). Cytogenetic location: 2q36.1.
Variant type: single nucleotide variant.
Coding change: c.586+437C>T on transcript NM_181458.4 (MANE Select); 437 bases into the intron after coding-DNA position 586, C replaced by T.
Molecular consequence: intron variant. On other transcripts: 3 prime UTR variant (1), missense variant (1).
Genome position (GRCh38, 1-based): chr2:222,293,730, G>A on the plus strand (C>T on the coding strand, the complement: PAX3 is on the minus strand). VCF-style: chr2-222293730-G-A. GRCh37 (hg19) VCF-style: chr2-223158449-G-A.
Other names: c.*375C>T (NM_000438.6); c.614C>T, p.Ser205Leu (NM_013942.5); c.583+437C>T (NM_001127366.3); c.586+437C>T (NM_181460.4, NM_181461.4, NM_181459.4 and 1 more transcripts); short protein forms S205L.
Identifiers: ClinVar variation 4980851 (VCV004980851.1).

ClinVar aggregate classification (germline): Uncertain significance (1 of 4 stars; one submission).

Conditions:
PAX3-related disorder. Also called: PAX3-related condition.

gnomAD v4.1: 11 of 1,614,132 alleles (0.00068%); highest among the groups gnomAD compares: Admixed American, 0.005%; no homozygotes.

Submission:

PreventionGenetics, part of Exact Sciences
Classification: Uncertain significance for PAX3-related condition. Last evaluated: 2026-07-27. Review status: criteria provided, single submitter. Criteria: ACMG Guidelines, 2015. Collection method: clinical testing. Allele origin: germline.
Comment: The PAX3 c.614C>T variant is predicted to result in the amino acid substitution p.Ser205Leu. To our knowledge, this variant has not been reported in the literature. This variant is reported in 0.0085% of alleles in individuals of Latino descent in gnomAD. In the NM_181458 transcript, this variant corresponds to a deep intronic position (c.586+437C>T). At this time, the clinical significance of this variant is uncertain due to the absence of conclusive functional and genetic evidence.